The following is an entry in ClinVar:

ClinVar aggregate classification (germline): Uncertain significance (1 of 4 stars; one submission).

Conditions:
Glycogen storage disease, type II (IOPD). Also called: POMPE DISEASE, INFANTILE-ONSET; GLYCOGEN STORAGE DISEASE II, INFANTILE-ONSET; ACID ALPHA-GLUCOSIDASE DEFICIENCY, INFANTILE-ONSET; GAA DEFICIENCY, INFANTILE-ONSET; ACID MALTASE DEFICIENCY, INFANTILE-ONSET; GLYCOGENOSIS, GENERALIZED, CARDIAC FORM. Identifiers: Orphanet 365, MedGen C0017921, MONDO:0009290, OMIM 232300.

Submission:

Labcorp Genetics (formerly Invitae), Labcorp
Classification: Uncertain significance for Glycogen storage disease, type II. Last evaluated: 2024-09-09. Review status: criteria provided, single submitter. Criteria: Invitae Variant Classification Sherloc (09022015). Collection method: clinical testing. Allele origin: germline.
Comment: This sequence change replaces proline, which is neutral and non-polar, with threonine, which is neutral and polar, at codon 629 of the GAA protein (p.Pro629Thr). This variant is not present in population databases (gnomAD no frequency). This variant has not been reported in the literature in individuals affected with GAA-related conditions. Invitae Evidence Modeling of protein sequence and biophysical properties (such as structural, functional, and spatial information, amino acid conservation, physicochemical variation, residue mobility, and thermodynamic stability) has been performed for this missense variant. However, the output from this modeling did not meet the statistical confidence thresholds required to predict the impact of this variant on GAA protein function. In summary, the available evidence is currently insufficient to determine the role of this variant in disease. Therefore, it has been classified as a Variant of Uncertain Significance.

NM_000152.5(GAA):c.1885C>A (p.Pro629Thr)

Gene: GAA (alpha glucosidase; plus strand). Cytogenetic location: 17q25.3.
Variant type: single nucleotide variant.
Coding change: c.1885C>A on transcript NM_000152.5 (MANE Select); coding-DNA position 1885, C replaced by A.
Protein change: p.Pro629Thr; replaces proline 629 with threonine.
Molecular consequence: missense variant.
Genome position (GRCh38, 1-based): chr17:80,112,708, C>A. VCF-style: chr17-80112708-C-A. GRCh37 (hg19) VCF-style: chr17-78086507-C-A.
Other names: c.1885C>A, p.Pro629Thr (NM_001079803.3, NM_001079804.3, NM_001406741.1 and 1 more transcripts); short protein forms P629T.
Identifiers: ClinVar variation 3675219 (VCV003675219.2).